The following is an entry in ClinVar:

NM_001377229.1(DISP1):c.4557_4559del (p.Leu1520del)

Gene: DISP1 (dispatched RND transporter family member 1; plus strand). Cytogenetic location: 1q41.
Variant type: Deletion.
Coding change: c.4557_4559del on transcript NM_001377229.1 (MANE Select); coding-DNA positions 4557 to 4559, 3 bases deleted (GTT; older notation c.4557_4559delGTT).
Protein change: p.Leu1520del; deletes leucine 1520.
Molecular consequence: inframe deletion.
Genome position (GRCh38, 1-based): chr1:223,005,954-223,005,956, GTT deleted; deleting any 3 consecutive bases within chr1:223,005,952-223,005,956 gives the same sequence; the c. name uses the placement nearest the transcript's 3' end. VCF-style (leftmost placement, unchanged base first): chr1-223005951-TTTG-T. GRCh37 (hg19) VCF-style: chr1-223179293-TTTG-T.
Other names: c.3828_3830del, p.Leu1277del (NM_001350630.2); c.4557_4559del, p.Leu1520del (NM_001369594.1, NM_001377228.1, NM_032890.5); c.4557_4559delGTT (NM_032890.3); short protein forms L1277del, L1520del.
Identifiers: ClinVar variation 1553023 (VCV001553023.8), dbSNP rs753844157, ClinGen allele CA1409607.

ClinVar aggregate classification (germline): Conflicting classifications of pathogenicity. Review status: criteria provided, conflicting classifications (1 of 4 stars). 2 submissions from 2 submitters: Uncertain significance (1); Likely benign (1). Last evaluated 2024-10-07.

Conditions:
DISP1-related disorder. Also called: DISP1-related condition.

Submissions (2):

Labcorp Genetics (formerly Invitae), Labcorp
Classification: Likely benign. Last evaluated: 2024-10-07. Review status: criteria provided, single submitter. Criteria: Invitae Variant Classification Sherloc (09022015). Collection method: clinical testing. Allele origin: germline.

PreventionGenetics, part of Exact Sciences
Classification: Uncertain significance for DISP1-related condition. Last evaluated: 2022-10-17. Review status: criteria provided, single submitter. Criteria: ACMG Guidelines, 2015. Collection method: clinical testing. Allele origin: germline.
Comment: The DISP1 c.4557_4559delGTT variant is predicted to result in an in-frame deletion (p.Leu1520del). To our knowledge, this variant has not been reported in the literature. This variant is reported in 0.24% of alleles in individuals of European (Finnish) descent in gnomAD. While we suspect this variant may be benign, at this time, the clinical significance of this variant is uncertain due to the absence of conclusive functional and genetic evidence.